The following is an entry in ClinVar:

NM_002439.5(MSH3):c.3284G>C (p.Gly1095Ala)

Gene: MSH3 (mutS homolog 3; plus strand). Cytogenetic location: 5q14.1.
Variant type: single nucleotide variant.
Coding change: c.3284G>C on transcript NM_002439.5 (MANE Select); coding-DNA position 3284, G replaced by C.
Protein change: p.Gly1095Ala; replaces glycine 1095 with alanine.
Molecular consequence: missense variant.
Genome position (GRCh38, 1-based): chr5:80,873,269, G>C. VCF-style: chr5-80873269-G-C. GRCh37 (hg19) VCF-style: chr5-80169088-G-C.
Other names: short protein forms G1095A.
Identifiers: ClinVar variation 3874958 (VCV003874958.1).

ClinVar aggregate classification (germline): Uncertain significance (1 of 4 stars; one submission).

Conditions:
Hereditary cancer-predisposing syndrome. Also called: Tumor predisposition; Neoplastic Syndromes, Hereditary; Hereditary Cancer Syndrome; Hereditary neoplastic syndrome. Identifiers: Orphanet 140162, MedGen C0027672, MeSH D009386, MONDO:0015356.

Submission:

Ambry Genetics
Classification: Uncertain significance for Hereditary cancer-predisposing syndrome. Last evaluated: 2024-12-25. Review status: criteria provided, single submitter. Criteria: Ambry Variant Classification Scheme 2023. Collection method: clinical testing. Allele origin: germline.
Comment: The p.G1095A variant (also known as c.3284G>C), located in coding exon 23 of the MSH3 gene, results from a G to C substitution at nucleotide position 3284. The glycine at codon 1095 is replaced by alanine, an amino acid with similar properties. This amino acid position is conserved. In addition, this alteration is predicted to be tolerated by in silico analysis. Based on the available evidence, the clinical significance of this variant remains unclear.